The following is an entry in ClinVar:

NM_000843.4(GRM6):c.1354+1G>A

Genes: GRM6 (glutamate metabotropic receptor 6; minus strand), ZNF454 (zinc finger protein 454; plus strand). Cytogenetic location: 5q35.3.
Variant type: single nucleotide variant.
Coding change: c.1354+1G>A on transcript NM_000843.4 (MANE Select); the canonical splice donor site of the intron after coding-DNA position 1354, G replaced by A.
Molecular consequence: splice donor variant.
Genome position (GRCh38, 1-based): chr5:178,988,934, C>T on the plus strand (G>A on the coding strand, the complement: GRM6 is on the minus strand). VCF-style: chr5-178988934-C-T. GRCh37 (hg19) VCF-style: chr5-178415935-C-T.
Identifiers: ClinVar variation 3659400 (VCV003659400.2).

ClinVar aggregate classification (germline): Likely pathogenic (1 of 4 stars; one submission).

Submission:

Labcorp Genetics (formerly Invitae), Labcorp
Classification: Likely pathogenic. Last evaluated: 2024-07-12. Review status: criteria provided, single submitter. Criteria: Invitae Variant Classification Sherloc (09022015). Collection method: clinical testing. Allele origin: germline.
Comment: This sequence change affects a donor splice site in intron 6 of the GRM6 gene. It is expected to disrupt RNA splicing. Variants that disrupt the donor or acceptor splice site typically lead to a loss of protein function (PMID: 16199547), and loss-of-function variants in GRM6 are known to be pathogenic (PMID: 15781871, 16622103, 22008250). This variant is not present in population databases (gnomAD no frequency). This variant has not been reported in the literature in individuals affected with GRM6-related conditions. Algorithms developed to predict the effect of sequence changes on RNA splicing suggest that this variant may disrupt the consensus splice site. In summary, the currently available evidence indicates that the variant is pathogenic, but additional data are needed to prove that conclusively. Therefore, this variant has been classified as Likely Pathogenic.

Literature cited by the submitters: PubMed 16199547; PubMed 15781871; PubMed 16622103; PubMed 22008250.